The following is an entry in ClinVar:

NM_015909.4(NBAS):c.873C>T (p.Asp291=)

Gene: NBAS (NBAS subunit of NRZ tethering complex; minus strand). Cytogenetic location: 2p24.3.
Variant type: single nucleotide variant.
Coding change: c.873C>T on transcript NM_015909.4 (MANE Select); coding-DNA position 873, C replaced by T.
Protein change: p.Asp291=; no amino-acid change (aspartic acid 291 retained).
Molecular consequence: synonymous variant. On other transcripts: non-coding transcript variant (1).
Genome position (GRCh38, 1-based): chr2:15,511,224, G>A on the plus strand (C>T on the coding strand, the complement: NBAS is on the minus strand). VCF-style: chr2-15511224-G-A. GRCh37 (hg19) VCF-style: chr2-15651348-G-A.
Other names: c.873C>T (NM_015909.3).
Identifiers: ClinVar variation 1595450 (VCV001595450.10), dbSNP rs939165758, ClinGen allele CA42647597.

ClinVar aggregate classification (germline): Likely benign. Review status: criteria provided, multiple submitters, no conflicts (2 of 4 stars). 3 submissions from 3 submitters: Likely benign (3). Last evaluated 2026-07-20.

Conditions:
NBAS-related disorder. Also called: NBAS-related condition.

Allele frequency attached by ClinVar (database versions not stated): gnomAD exomes 0.00001 and 0.00002; TOPMed 0.00003; gnomAD 0.00004.
gnomAD v4.1: 30 of 1,613,840 alleles (0.0019%); highest among the groups gnomAD compares: Admixed American, 0.005%; no homozygotes.

Submissions (3):

PreventionGenetics, part of Exact Sciences
Classification: Likely benign for NBAS-related condition. Last evaluated: 2026-07-20. Review status: criteria provided, single submitter. Criteria: ACMG Guidelines, 2015. Collection method: clinical testing. Allele origin: germline.
Comment: This variant is classified as likely benign based on ACMG/AMP sequence variant interpretation guidelines (Richards et al. 2015 PMID: 25741868, with internal and published modifications).

Labcorp Genetics (formerly Invitae), Labcorp
Classification: Likely benign. Last evaluated: 2025-11-06. Review status: criteria provided, single submitter. Criteria: Invitae Variant Classification Sherloc (09022015). Collection method: clinical testing. Allele origin: germline.

Blueprint Genetics
Classification: Likely benign. Last evaluated: 2024-01-10. Review status: criteria provided, single submitter. Criteria: ACMG Guidelines, 2015. Collection method: clinical testing. Allele origin: germline.